The following is an entry in ClinVar:

NM_152269.5(MTRFR):c.191T>C (p.Phe64Ser)

Gene: MTRFR (mitochondrial translation release factor in rescue; plus strand). Cytogenetic location: 12q24.31.
Variant type: single nucleotide variant.
Coding change: c.191T>C on transcript NM_152269.5 (MANE Select); coding-DNA position 191, T replaced by C.
Protein change: p.Phe64Ser; replaces phenylalanine 64 with serine.
Molecular consequence: missense variant.
Genome position (GRCh38, 1-based): chr12:123,253,865, T>C. VCF-style: chr12-123253865-T-C. GRCh37 (hg19) VCF-style: chr12-123738412-T-C.
Other names: c.191T>C, p.Phe64Ser (NM_001143905.2, NM_001194995.1); short protein forms F64S.
Identifiers: ClinVar variation 2184097 (VCV002184097.4), dbSNP rs771507731, ClinGen allele CA6856535.

ClinVar aggregate classification (germline): Uncertain significance (1 of 4 stars; one submission).

Conditions:
Spastic paraplegia. Identifiers: MedGen C0037772, HP:0001258.
Combined oxidative phosphorylation defect type 7. Identifiers: Orphanet 254930, MedGen C3150801, MONDO:0013306, OMIM 613559.

Allele frequency attached by ClinVar (database versions not stated): gnomAD exomes below 0.00001; ExAC 0.00001; TOPMed 0.00001; gnomAD 0.00003.
gnomAD v4.1: 6 of 1,614,028 alleles (0.00037%); highest among the groups gnomAD compares: African/African-American, 0.0053%; no homozygotes.

Submission:

Labcorp Genetics (formerly Invitae), Labcorp
Classification: Uncertain significance for Combined oxidative phosphorylation defect type 7; Spastic paraplegia. Last evaluated: 2022-01-13. Review status: criteria provided, single submitter. Criteria: Invitae Variant Classification Sherloc (09022015). Collection method: clinical testing. Allele origin: germline.
Comment: In summary, the available evidence is currently insufficient to determine the role of this variant in disease. Therefore, it has been classified as a Variant of Uncertain Significance. Algorithms developed to predict the effect of missense changes on protein structure and function (SIFT, PolyPhen-2, Align-GVGD) all suggest that this variant is likely to be disruptive. This variant has not been reported in the literature in individuals affected with C12orf65-related conditions. This variant is present in population databases (rs771507731, gnomAD 0.005%). This sequence change replaces phenylalanine, which is neutral and non-polar, with serine, which is neutral and polar, at codon 64 of the C12orf65 protein (p.Phe64Ser).